The following is an entry in ClinVar:

NM_001145118.2(GRID2IP):c.2115C>T (p.Asn705=)

Gene: GRID2IP (Grid2 interacting protein; minus strand). Cytogenetic location: 7p22.1.
Variant type: single nucleotide variant.
Coding change: c.2115C>T on transcript NM_001145118.2 (MANE Select); coding-DNA position 2115, C replaced by T.
Protein change: p.Asn705=; no amino-acid change (asparagine 705 retained).
Molecular consequence: synonymous variant.
Genome position (GRCh38, 1-based): chr7:6,508,970, G>A on the plus strand (C>T on the coding strand, the complement: GRID2IP is on the minus strand). VCF-style: chr7-6508970-G-A. GRCh37 (hg19) VCF-style: chr7-6548601-G-A.
Other names: c.1542C>T, p.Asn514= (NM_001388403.1); c.1566C>T, p.Asn522= (NM_001394781.1).
Identifiers: ClinVar variation 2657303 (VCV002657303.24), dbSNP rs187045506, ClinGen allele CA4155391.

ClinVar aggregate classification (germline): Likely benign (1 of 4 stars; one submission).

Allele frequency attached by ClinVar (database versions not stated): gnomAD exomes 0.00011; ExAC 0.00033; gnomAD 0.00044; 1000 Genomes Project 30x 0.00047; 1000 Genomes Project 0.00060.
gnomAD v4.1: 222 of 1,547,032 alleles (0.014%); highest among the groups gnomAD compares: African/African-American, 0.12%; no homozygotes.

Submission:

CeGaT Center for Human Genetics Tuebingen
Classification: Likely benign. Last evaluated: 2022-07-01. Review status: criteria provided, single submitter. Criteria: CeGaT Center For Human Genetics Tuebingen Variant Classification Criteria Version 2. Collection method: clinical testing. Allele origin: germline. Affected: yes. Observed: 1 variant allele.
Comment: GRID2IP: BP4, BP7